The following is an entry in ClinVar:

NM_000414.4(HSD17B4):c.1578dup (p.Asp527Ter)

Gene: HSD17B4 (hydroxysteroid 17-beta dehydrogenase 4; plus strand). Cytogenetic location: 5q23.1.
Variant type: Duplication.
Coding change: c.1578dup on transcript NM_000414.4 (MANE Select); coding-DNA position 1578, one base duplicated (T; older notation c.1578dupT).
Protein change: p.Asp527Ter; replaces aspartic acid 527 with a stop codon.
Molecular consequence: nonsense. On other transcripts: non-coding transcript variant (2).
Genome position (GRCh38, 1-based): chr5:119,525,921, T duplicated; the last of 4 consecutive T bases (chr5:119,525,918-119,525,921); duplicating any one gives the same sequence. VCF-style (leftmost placement, unchanged base first): chr5-119525917-G-GT. GRCh37 (hg19) VCF-style: chr5-118861612-G-GT.
Other names: c.1653dup, p.Asp552Ter (NM_001199291.3); c.1524dup, p.Asp509Ter (NM_001199292.2); c.1506dup, p.Asp503Ter (NM_001292027.2, NM_001374498.1); c.1158dup, p.Asp387Ter (NM_001292028.2); c.1569dup, p.Asp524Ter (NM_001374497.1); c.1251dup, p.Asp418Ter (NM_001374499.1); c.1137dup, p.Asp380Ter (NM_001374500.1); c.1167dup, p.Asp390Ter (NM_001374501.1, NM_001374502.1, NM_001374503.1); short protein forms D390*, D524*, D380*, D418*, D552*, D387*, D503*, D509*.
Identifiers: ClinVar variation 2949823 (VCV002949823.3), dbSNP rs1561485663, ClinGen allele CA2740094050.

ClinVar aggregate classification (germline): Pathogenic (1 of 4 stars; one submission).

Conditions:
Bifunctional peroxisomal enzyme deficiency (DBIF). Also called: DBP DEFICIENCY; PBFE DEFICIENCY; D-bifunctional protein deficiency. Identifiers: Orphanet 300, MedGen C0342870, MONDO:0009855, OMIM 261515. Disease mechanism: loss of function.
Perrault syndrome. Also called: Gonadal dysgenesis with auditory dysfunction, autosomal recessive inheritance. Identifiers: Orphanet 2855, MedGen C0685838, MONDO:0017312.

Submission:

Labcorp Genetics (formerly Invitae), Labcorp
Classification: Pathogenic for Perrault syndrome; Bifunctional peroxisomal enzyme deficiency. Last evaluated: 2023-07-13. Review status: criteria provided, single submitter. Criteria: Invitae Variant Classification Sherloc (09022015). Collection method: clinical testing. Allele origin: germline.
Comment: For these reasons, this variant has been classified as Pathogenic. This variant has not been reported in the literature in individuals affected with HSD17B4-related conditions. This variant is not present in population databases (gnomAD no frequency). This sequence change creates a premature translational stop signal (p.Asp527*) in the HSD17B4 gene. It is expected to result in an absent or disrupted protein product. Loss-of-function variants in HSD17B4 are known to be pathogenic (PMID: 11810648, 16385454, 20673864).

Literature cited by the submitters: PubMed 11810648; PubMed 16385454; PubMed 20673864.